The following is an entry in ClinVar:

NM_001110556.2(FLNA):c.7332A>G (p.Thr2444=)

Gene: FLNA (filamin A; minus strand). Cytogenetic location: Xq28.
Variant type: single nucleotide variant.
Coding change: c.7332A>G on transcript NM_001110556.2 (MANE Select); coding-DNA position 7332, A replaced by G.
Protein change: p.Thr2444=; no amino-acid change (threonine 2444 retained).
Molecular consequence: synonymous variant.
Genome position (GRCh38, 1-based): chrX:154,350,032, T>C on the plus strand (A>G on the coding strand, the complement: FLNA is on the minus strand). VCF-style: chrX-154350032-T-C. GRCh37 (hg19) VCF-style: chrX-153578400-T-C.
Other names: c.7308A>G, p.Thr2436= (NM_001456.4).
Identifiers: ClinVar variation 2937829 (VCV002937829.3), dbSNP rs2522714721, ClinGen allele CA519276373.

ClinVar aggregate classification (germline): Uncertain significance (1 of 4 stars; one submission).

Conditions:
Oto-palato-digital syndrome, type II (OPD2). Also called: FACIOPALATOOSSEOUS SYNDROME; OPD II SYNDROME; Otopalatodigital Syndrome, Type II; Otopalatodigital Syndrome Type 2 (FLNA-OPD2). Identifiers: Orphanet 669, Orphanet 90652, MedGen C1844696, MONDO:0010571, OMIM 304120.
Heterotopia, periventricular, X-linked dominant (PVNH1). Also called: PERIVENTRICULAR NODULAR HETEROTOPIA 1; X-linked periventricular heterotopia; PERIVENTRICULAR NODULAR HETEROTOPIA 4; HETEROTOPIA, PERIVENTRICULAR, 1. Identifiers: Orphanet 2149, Orphanet 82004, MedGen C1848213, MONDO:0010233, OMIM 300049.
Frontometaphyseal dysplasia (FMD1). Identifiers: Orphanet 1826, MedGen C0265293, MONDO:0015942.
Melnick-Needles syndrome (MNS). Also called: MELNICK-NEEDLES OSTEODYSPLASTY; OSTEODYSPLASTY OF MELNICK AND NEEDLES; Melnick-Needles Syndrome (FLNA-MNS). Identifiers: Orphanet 2484, MedGen C0025237, MONDO:0010650, OMIM 309350.

Submission:

Labcorp Genetics (formerly Invitae), Labcorp
Classification: Uncertain significance for Oto-palato-digital syndrome, type II; Heterotopia, periventricular, X-linked dominant; Frontometaphyseal dysplasia; Melnick-Needles syndrome. Last evaluated: 2023-07-31. Review status: criteria provided, single submitter. Criteria: Invitae Variant Classification Sherloc (09022015). Collection method: clinical testing. Allele origin: germline.
Comment: In summary, the available evidence is currently insufficient to determine the role of this variant in disease. Therefore, it has been classified as a Variant of Uncertain Significance. Algorithms developed to predict the effect of sequence changes on RNA splicing suggest that this variant is not likely to affect RNA splicing. This variant has not been reported in the literature in individuals affected with FLNA-related conditions. This variant is not present in population databases (gnomAD no frequency). This sequence change affects codon 2436 of the FLNA mRNA. It is a 'silent' change, meaning that it does not change the encoded amino acid sequence of the FLNA protein. It affects a nucleotide within the consensus splice site.